The following is an entry in ClinVar:

NM_173660.5(DOK7):c.1504C>T (p.Pro502Ser)

Gene: DOK7 (docking protein 7; plus strand). Cytogenetic location: 4p16.3.
Variant type: single nucleotide variant.
Coding change: c.1504C>T on transcript NM_173660.5 (MANE Select); coding-DNA position 1504, C replaced by T.
Protein change: p.Pro502Ser; replaces proline 502 with serine.
Molecular consequence: missense variant. On other transcripts: 3 prime UTR variant (1), intron variant (2).
Genome position (GRCh38, 1-based): chr4:3,493,490, C>T. VCF-style: chr4-3493490-C-T. GRCh37 (hg19) VCF-style: chr4-3495217-C-T.
Other names: c.*725C>T (NM_001164673.2); c.574C>T, p.Pro192Ser (NM_001256896.2); c.1497+7C>T (NM_001301071.2); c.1065+7C>T (NM_001363811.2); short protein forms P192S, P502S.
Identifiers: ClinVar variation 1484338 (VCV001484338.8), dbSNP rs779975668, ClinGen allele CA2829555.

ClinVar aggregate classification (germline): Uncertain significance (1 of 4 stars; one submission).

Conditions:
Congenital myasthenic syndrome 10. Also called: Myasthenia, limb-girdle, familial. Identifiers: Orphanet 590, MedGen C1850792, MONDO:0009690, OMIM 254300.
Fetal akinesia deformation sequence 1 (FADS1). Also called: Fetal akinesia sequence; Pena-Shokeir syndrome type I. Identifiers: Orphanet 994, MedGen C1276035, MONDO:0100101, OMIM 208150, HP:0001989.

Allele frequency attached by ClinVar (database versions not stated): gnomAD exomes below 0.00001; ExAC 0.00001.
gnomAD v4.1: 9 of 1,611,196 alleles (0.00056%); highest among the groups gnomAD compares: East Asian, 0.0022%; no homozygotes.

Submission:

Labcorp Genetics (formerly Invitae), Labcorp
Classification: Uncertain significance for Congenital myasthenic syndrome 10; Fetal akinesia deformation sequence 1. Last evaluated: 2024-01-17. Review status: criteria provided, single submitter. Criteria: Invitae Variant Classification Sherloc (09022015). Collection method: clinical testing. Allele origin: germline.
Comment: This sequence change replaces proline, which is neutral and non-polar, with serine, which is neutral and polar, at codon 502 of the DOK7 protein (p.Pro502Ser). The frequency data for this variant in the population databases is considered unreliable, as metrics indicate poor data quality at this position in the gnomAD database. This variant has not been reported in the literature in individuals affected with DOK7-related conditions. ClinVar contains an entry for this variant (Variation ID: 1484338). Algorithms developed to predict the effect of missense changes on protein structure and function output the following: SIFT: "Not Available"; PolyPhen-2: "Benign"; Align-GVGD: "Not Available". The serine amino acid residue is found in multiple mammalian species, which suggests that this missense change does not adversely affect protein function. In summary, the available evidence is currently insufficient to determine the role of this variant in disease. Therefore, it has been classified as a Variant of Uncertain Significance.